The following is an entry in ClinVar:

ClinVar aggregate classification (germline): Pathogenic/Likely pathogenic. Review status: criteria provided, multiple submitters, no conflicts (2 of 4 stars). 2 submissions from 2 submitters: Pathogenic (1); Likely pathogenic (1). Last evaluated 2023-10-06.

Conditions:
Exostoses, multiple, type 2 (EXT2). Also called: Hereditary Multiple Osteochondromatosis, Type II; EXOSTOSES, MULTIPLE, TYPE II. Identifiers: Orphanet 321, MedGen C1851413, MONDO:0007586, OMIM 133701.

Submissions (2):

Labcorp Genetics (formerly Invitae), Labcorp
Classification: Pathogenic for Exostoses, multiple, type 2. Last evaluated: 2023-10-06. Review status: criteria provided, single submitter. Criteria: Invitae Variant Classification Sherloc (09022015). Collection method: clinical testing. Allele origin: germline.
Comment: This sequence change affects a donor splice site in intron 3 of the EXT2 gene. It is expected to disrupt RNA splicing. Variants that disrupt the donor or acceptor splice site typically lead to a loss of protein function (PMID: 16199547), and loss-of-function variants in EXT2 are known to be pathogenic (PMID: 10679937, 19810120). This variant is not present in population databases (gnomAD no frequency). Disruption of this splice site has been observed in individual(s) with multiple osteochondromas (PMID: 17041877). ClinVar contains an entry for this variant (Variation ID: 381659). Algorithms developed to predict the effect of sequence changes on RNA splicing suggest that this variant may disrupt the consensus splice site. For these reasons, this variant has been classified as Pathogenic.

GeneDx
Classification: Likely pathogenic. Last evaluated: 2016-06-21. Review status: criteria provided, single submitter. Criteria: GeneDx Variant Classification (06012015). Collection method: clinical testing. Allele origin: germline. Affected: yes.
Comment: The c.626+1 G>T variant has been published previosuly in association with multiple osteochondromas (Lonie et al., 2006). The variant was not observed in approximately 6,500 individuals of European and African American ancestry in the NHLBI Exome Sequencing Project, indicating it is not a common benign variant in these populations. While several in-silico splice prediction models predict that c.626+1 G>T destroys the natural splice donor site in intron 3, the adjacent exon 3 remains in-frame. In the absence of RNA/functional studies, the actual effect of this sequence change is unknown. Therefore, this variant is likely pathogenic; however, the possibility that it is benign cannot be excluded.

Literature cited by the submitters: PubMed 16199547 (cited by Labcorp Genetics (formerly Invitae), Labcorp); PubMed 10679937 (cited by Labcorp Genetics (formerly Invitae), Labcorp); PubMed 19810120 (cited by Labcorp Genetics (formerly Invitae), Labcorp); PubMed 17041877 (cited by Labcorp Genetics (formerly Invitae), Labcorp).

NM_207122.2(EXT2):c.626+1G>T

Gene: EXT2 (exostosin glycosyltransferase 2; plus strand). Cytogenetic location: 11p11.2.
Variant type: single nucleotide variant.
Coding change: c.626+1G>T on transcript NM_207122.2 (MANE Select); the canonical splice donor site of the intron after coding-DNA position 626, G replaced by T.
Molecular consequence: splice donor variant.
Genome position (GRCh38, 1-based): chr11:44,109,284, G>T. VCF-style: chr11-44109284-G-T. GRCh37 (hg19) VCF-style: chr11-44130834-G-T.
Other names: c.626+1G>T (NM_001389630.1, NM_001178083.3, NM_001389628.1); c.725+1G>T (NM_000401.3).
Identifiers: ClinVar variation 381659 (VCV000381659.5), dbSNP rs1057521132, ClinGen allele CA16605916.